The following is an entry in ClinVar:

ClinVar aggregate classification (germline): Pathogenic (1 of 4 stars; one submission).

Conditions:
Emery-Dreifuss muscular dystrophy 4, autosomal dominant (EDMD4). Also called: EMERY-DREIFUSS MUSCULAR DYSTROPHY 4 WITH VARIABLE FEATURES. Identifiers: Orphanet 261, MedGen C2751807, MONDO:0013071, OMIM 612998.
Autosomal recessive ataxia, Beauce type. Also called: SYNE1 Deficiency; Spinocerebellar ataxia, autosomal recessive 8; ATAXIA, RECESSIVE, OF BEAUCE; SYNE1-Related Autosomal Recessive Cerebellar Ataxia. Identifiers: Orphanet 88644, MedGen C1853116, MONDO:0012549, OMIM 610743.

Submission:

Labcorp Genetics (formerly Invitae), Labcorp
Classification: Pathogenic for Emery-Dreifuss muscular dystrophy 4, autosomal dominant; Autosomal recessive ataxia, Beauce type. Last evaluated: 2024-10-16. Review status: criteria provided, single submitter. Criteria: Invitae Variant Classification Sherloc (09022015). Collection method: clinical testing. Allele origin: germline.
Comment: This sequence change creates a premature translational stop signal (p.Tyr8124*) in the SYNE1 gene. It is expected to result in an absent or disrupted protein product. Loss-of-function variants in SYNE1 are known to be pathogenic (PMID: 19542096, 24319099, 27086870). This variant is not present in population databases (gnomAD no frequency). This variant has not been reported in the literature in individuals affected with SYNE1-related conditions. ClinVar contains an entry for this variant (Variation ID: 2098159). Algorithms developed to predict the effect of sequence changes on RNA splicing suggest that this variant may create or strengthen a splice site. For these reasons, this variant has been classified as Pathogenic.

Literature cited by the submitters: PubMed 19542096; PubMed 24319099; PubMed 27086870.

NM_182961.4(SYNE1):c.24585C>A (p.Tyr8195Ter)

Gene: SYNE1 (spectrin repeat containing nuclear envelope protein 1; minus strand). Cytogenetic location: 6q25.2.
Variant type: single nucleotide variant.
Coding change: c.24585C>A on transcript NM_182961.4 (MANE Select); coding-DNA position 24585, C replaced by A.
Protein change: p.Tyr8195Ter; replaces tyrosine 8195 with a stop codon.
Molecular consequence: nonsense.
Genome position (GRCh38, 1-based): chr6:152,149,534, G>T on the plus strand (C>A on the coding strand, the complement: SYNE1 is on the minus strand). VCF-style: chr6-152149534-G-T. GRCh37 (hg19) VCF-style: chr6-152470669-G-T.
Other names: c.1191C>A, p.Tyr397Ter (NM_001347701.2); c.1050C>A, p.Tyr350Ter (NM_001347702.2); c.24372C>A, p.Tyr8124Ter (NM_033071.5); short protein forms Y397*, Y350*, Y8195*, Y8124*.
Identifiers: ClinVar variation 2098159 (VCV002098159.4), dbSNP rs2550008477, ClinGen allele CA366086175.